The following is an entry in ClinVar:

NM_001845.6(COL4A1):c.1702G>T (p.Gly568Cys)

Gene: COL4A1 (collagen type IV alpha 1 chain; minus strand). Cytogenetic location: 13q34.
Variant type: single nucleotide variant.
Coding change: c.1702G>T on transcript NM_001845.6 (MANE Select); coding-DNA position 1702, G replaced by T.
Protein change: p.Gly568Cys; replaces glycine 568 with cysteine.
Molecular consequence: missense variant.
Genome position (GRCh38, 1-based): chr13:110,187,164, C>A on the plus strand (G>T on the coding strand, the complement: COL4A1 is on the minus strand). VCF-style: chr13-110187164-C-A. GRCh37 (hg19) VCF-style: chr13-110839511-C-A.
Other names: c.1702G>T (NM_001845.4, NM_001845.5); short protein forms G568C.
Identifiers: ClinVar variation 1179197 (VCV001179197.12), dbSNP rs375477517, ClinGen allele CA256265366.
Genomic context (GRCh38, chr13:110,187,164, plus strand): 5'-AAAATGCACATTCAAAGTCTGGAGATAAACATACCGGCGAGCCCTTGGGGCCAGGAAGAC[C>A]CGGATGGCCATCTCTTCCAGGAGAACCCGCTCTCCCTGGCATGCCGGGCTGTCCTGGAAA-3'
Protein context (NP_001836.3, residues 558-578): AGSPGRDGHP[Gly568Cys]LPGPKGSPGS

ClinVar aggregate classification (germline): Conflicting classifications of pathogenicity. Review status: criteria provided, conflicting classifications (1 of 4 stars). 6 submissions from 6 submitters: Likely pathogenic (3); Uncertain significance (3). Last evaluated 2026-06-26.

Conditions:
Autosomal dominant familial hematuria-retinal arteriolar tortuosity-contractures syndrome. Also called: Hereditary Angiopathy with Nephropathy, Aneurysms, and Muscle Cramps (HANAC) Syndrome; Angiopathy, hereditary, with nephropathy, aneurysms, and muscle cramps. Identifiers: Orphanet 73229, MedGen C2673195, MONDO:0012726, OMIM 611773.
Microangiopathy and leukoencephalopathy, pontine, autosomal dominant. Also called: Pontine autosomal dominant microangiopathy with leukoencephalopathy; DEMENTIA, HEREDITARY MULTI-INFARCT, SWEDISH TYPE. Identifiers: Orphanet 477749, MedGen C5231411, MONDO:0032814, OMIM 618564.
Retinal arterial tortuosity. Also called: Retinal arteries, tortuosity of; RETINAL HEMORRHAGE WITH VASCULAR TORTUOSITY. Identifiers: Orphanet 75326, MedGen C0423401, MONDO:0008373, OMIM 180000, HP:0000631.
Brain small vessel disease 1 with or without ocular anomalies (BSVD1). Also called: GOULD SYNDROME 1; Brain small vessel disease with or without ocular anomalies; PORENCEPHALY, TYPE 1, AUTOSOMAL DOMINANT; BRAIN SMALL VESSEL DISEASE WITH HEMORRHAGE. Identifiers: Orphanet 2940, Orphanet 36383, Orphanet 99810, MedGen C4755307, MONDO:0008289, OMIM 175780.
Hemorrhage, intracerebral, susceptibility to (ICH). Also called: Stroke, hemorrhagic, susceptibility to. Identifiers: MedGen C3281105, MONDO:0100533, OMIM 614519.
Inborn genetic diseases. Identifiers: MedGen C0950123, MeSH D030342.
COL4A1 or COL4A2-related cerebral small vessel disease. Identifiers: Orphanet 477759, MedGen C5680103, MONDO:0018788.

Allele frequency attached by ClinVar (database versions not stated): gnomAD 0.00001; ESP Exome Variant Server 0.00008; gnomAD exomes 0.00002 and below 0.00001; TOPMed 0.00002.
gnomAD v4.1: 32 of 1,613,906 alleles (0.002%); highest among the groups gnomAD compares: Non-Finnish European, 0.0025%; no homozygotes.

Submissions (6):

Ambry Genetics
Classification: Uncertain significance for Inborn genetic diseases. Last evaluated: 2026-06-26. Review status: criteria provided, single submitter. Criteria: Ambry Variant Classification Scheme 2023. Collection method: clinical testing. Allele origin: germline.
Comment: The c.1702G>T (p.G568C) alteration is located in exon 25 (coding exon 25) of the COL4A1 gene. This alteration results from a G to T substitution at nucleotide position 1702, causing the glycine (G) at amino acid position 568 to be replaced by a cysteine (C). Based on data from gnomAD, the T allele has an overall frequency of 0.001% (2/282684) total alleles studied. The highest observed frequency was 0.014% (1/7218) of Other alleles. Based on insufficient or conflicting evidence, the clinical significance of this alteration remains unclear.

GeneDx
Classification: Uncertain significance. Last evaluated: 2026-03-03. Review status: criteria provided, single submitter. Criteria: GeneDx Variant Classification Process June 2021. Collection method: clinical testing. Allele origin: germline.
Comment: Identified in a cohort of patients with chronic kidney disease as well as in an individual with seizures, hypotonia, and global developmental delay in the published literature (PMID: 35325889, 39417332); In silico analysis supports that this missense variant has a deleterious effect on protein structure/function; Affects a glycine residue in a Gly-X-Y motif in the triple helical region of the COL4A1 gene; This variant is associated with the following publications: (PMID: 37291213, 35325889, 39417332)

Labcorp Genetics (formerly Invitae), Labcorp
Classification: Likely pathogenic. Last evaluated: 2026-01-20. Review status: criteria provided, single submitter. Criteria: Invitae Variant Classification Sherloc (09022015). Collection method: clinical testing. Allele origin: germline.
Comment: This sequence change replaces glycine, which is neutral and non-polar, with cysteine, which is neutral and slightly polar, at codon 568 of the COL4A1 protein (p.Gly568Cys). This variant is present in population databases (rs375477517, gnomAD 0.0008%). This missense change has been observed in individual(s) with COL4A1-related conditions (PMID: 35325889, 37291213). ClinVar contains an entry for this variant (Variation ID: 1179197). Invitae Evidence Modeling of protein sequence and biophysical properties (such as structural, functional, and spatial information, amino acid conservation, physicochemical variation, residue mobility, and thermodynamic stability) indicates that this missense variant is expected to disrupt COL4A1 protein function with a positive predictive value of 95%. This variant disrupts the triple helix domain of COL4A1. Glycine residues within the Gly-Xaa-Yaa repeats of the triple helix domain are required for the structure and stability of fibrillar collagens (PMID: 7695699, 8218237, 19344236). In COL4A1 variants affecting these glycine residues are significantly enriched in individuals with disease (PMID: 9016532, 17078022) compared to the general population (ExAC). In summary, the currently available evidence indicates that the variant is pathogenic, but additional data are needed to prove that conclusively. Therefore, this variant has been classified as Likely Pathogenic.

Victorian Clinical Genetics Services, Murdoch Childrens Research Institute
Classification: Likely pathogenic for COL4A1 or COL4A2-related cerebral small vessel disease. Last evaluated: 2022-07-01. Review status: criteria provided, single submitter. Criteria: ACMG Guidelines, 2015. Collection method: clinical testing. Allele origin: paternal. Affected: yes.
Comment: 0103 - Dominant negative and loss of function are likely mechanisms of disease in this gene and are associated with COL4A1-related disorders. Missense variants affecting the glycine of the triple helix of collagen genes typically exert a dominant-negative effect however, functional evidence proving this for COL4A1 is lacking (PMID: 16159887). (I) 0107 - This gene is associated with autosomal dominant disease. (I) 0112 - The condition associated with this gene has incomplete penetrance (PMID: 30413629, 21625620). (I) 0200 - Variant is predicted to result in a missense amino acid change from glycine to cysteine. (I) 0251 - This variant is heterozygous. (I) 0302 - Variant is present in gnomAD (v2 & v3) <0.001 for a dominant condition (3 heterozygotes, 0 homozygotes). (SP) 0501 - Missense variant consistently predicted to be damaging by multiple in silico tools or highly conserved with a major amino acid change. (SP) 0601 - Variant is located in the well-established functional Gly-X-Y repeat motif (NCBI Conserved domain, PMID: 1867713). (SP) 0705 - No comparable missense variants have previous evidence for pathogenicity. (I) 0803 - This variant has limited previous evidence of pathogenicity in an unrelated individual. This variant is reported in ClinVar once as likely pathogenic. (SP) 0905 - No published segregation evidence has been identified for this variant. (I) 1007 - No published functional evidence has been identified for this variant. (I) Legend: (SP) - Supporting pathogenic, (I) - Information, (SB) - Supporting benign

Fulgent Genetics
Classification: Likely pathogenic for Brain small vessel disease 1 with or without ocular anomalies; Retinal arterial tortuosity; Autosomal dominant familial hematuria-retinal arteriolar tortuosity-contractures syndrome; Hemorrhage, intracerebral, susceptibility to; Microangiopathy and leukoencephalopathy, pontine, autosomal dominant. Last evaluated: 2022-05-19. Review status: criteria provided, single submitter. Criteria: ACMG Guidelines, 2015. Collection method: clinical testing. Allele origin: unknown.

Blueprint Genetics
Classification: Uncertain significance. Last evaluated: 2021-04-01. Review status: criteria provided, single submitter. Criteria: ACMG Guidelines, 2015. Collection method: clinical testing. Allele origin: germline.

Literature cited by the submitters: PubMed 35325889 (cited by Ambry Genetics and Labcorp Genetics (formerly Invitae), Labcorp); PubMed 37291213 (cited by Ambry Genetics and Labcorp Genetics (formerly Invitae), Labcorp); PubMed 39417332 (cited by Ambry Genetics); PubMed 7695699 (cited by Labcorp Genetics (formerly Invitae), Labcorp); PubMed 8218237 (cited by Labcorp Genetics (formerly Invitae), Labcorp); PubMed 19344236 (cited by Labcorp Genetics (formerly Invitae), Labcorp); PubMed 9016532 (cited by Labcorp Genetics (formerly Invitae), Labcorp); PubMed 17078022 (cited by Labcorp Genetics (formerly Invitae), Labcorp).